The following is an entry in ClinVar:

NM_001015877.2(PHF6):c.1058A>G (p.Asp353Gly)

Gene: PHF6 (PHD finger protein 6; plus strand). Cytogenetic location: Xq26.2.
Variant type: single nucleotide variant.
Coding change: c.1058A>G on transcript NM_001015877.2 (MANE Select); coding-DNA position 1058, A replaced by G.
Protein change: p.Asp353Gly; replaces aspartic acid 353 with glycine.
Molecular consequence: missense variant.
Genome position (GRCh38, 1-based): chrX:134,425,290, A>G. VCF-style: chrX-134425290-A-G. GRCh37 (hg19) VCF-style: chrX-133559320-A-G.
Other names: c.1058A>G, p.Asp353Gly (NM_032458.3); short protein forms D353G.
Identifiers: ClinVar variation 2397813 (VCV002397813.3), dbSNP rs767722044, ClinGen allele CA10521307.

ClinVar aggregate classification (germline): Uncertain significance. Review status: criteria provided, multiple submitters, no conflicts (2 of 4 stars). 2 submissions from 2 submitters: Uncertain significance (2). Last evaluated 2025-01-13.

Conditions:
Inborn genetic diseases. Identifiers: MedGen C0950123, MeSH D030342.
PHF6-related disorder. Also called: PHF6-related condition.

Allele frequency attached by ClinVar (database versions not stated): ExAC 0.00001; gnomAD 0.00001; gnomAD exomes 0.00001.
gnomAD v4.1: 12 of 1,209,711 alleles (0.00099%); highest among the groups gnomAD compares: Non-Finnish European, 0.0012%; no homozygotes.

Submissions (2):

PreventionGenetics, part of Exact Sciences
Classification: Uncertain significance for PHF6-related condition. Last evaluated: 2025-01-13. Review status: criteria provided, single submitter. Criteria: ACMG Guidelines, 2015. Collection method: clinical testing. Allele origin: germline.
Comment: The PHF6 c.1058A>G variant is predicted to result in the amino acid substitution p.Asp353Gly. To our knowledge, this variant has not been reported in the literature. This variant is reported in 0.0032% of alleles in individuals of European (Non-Finnish) descent in gnomAD. Although we suspect that this variant may be benign, at this time, the clinical significance of this variant is uncertain due to the absence of conclusive functional and genetic evidence.

Ambry Genetics
Classification: Uncertain significance for Inborn genetic diseases. Last evaluated: 2022-01-27. Review status: criteria provided, single submitter. Criteria: Ambry Variant Classification Scheme 2023. Collection method: clinical testing. Allele origin: germline.